The following is an entry in ClinVar:

NM_145868.2(ANXA11):c.744+3G>A

Gene: ANXA11 (annexin A11; minus strand). Cytogenetic location: 10q22.3.
Variant type: single nucleotide variant.
Coding change: c.744+3G>A on transcript NM_145868.2 (MANE Select); 3 bases into the intron after coding-DNA position 744, G replaced by A.
Molecular consequence: intron variant.
Genome position (GRCh38, 1-based): chr10:80,166,887, C>T on the plus strand (G>A on the coding strand, the complement: ANXA11 is on the minus strand). VCF-style: chr10-80166887-C-T. GRCh37 (hg19) VCF-style: chr10-81926643-C-T.
Other names: c.744+3G>A (NM_001278408.2, NM_001278407.2, NM_001157.3 and 1 more transcripts); c.645+3G>A (NM_001278409.2).
Identifiers: ClinVar variation 1343333 (VCV001343333.6), dbSNP rs769390362, ClinGen allele CA5576162.

ClinVar aggregate classification (germline): Uncertain significance. Review status: criteria provided, multiple submitters, no conflicts (2 of 4 stars). 2 submissions from 2 submitters: Uncertain significance (2). Last evaluated 2022-06-02.

Conditions:
Amyotrophic lateral sclerosis (ALS). Also called: Charcot disease; Lou Gehrig disease. Identifiers: Orphanet 803, MedGen C0002736, MONDO:0004976, HP:0007354.

Allele frequency attached by ClinVar (database versions not stated): gnomAD 0.00001 and 0.00003; TOPMed 0.00002; ExAC 0.00003; gnomAD exomes 0.00003 and 0.00005.
gnomAD v4.1: 80 of 1,601,358 alleles (0.005%); highest among the groups gnomAD compares: South Asian, 0.022%; no homozygotes.

Submissions (2):

Labcorp Genetics (formerly Invitae), Labcorp
Classification: Uncertain significance. Last evaluated: 2022-06-02. Review status: criteria provided, single submitter. Criteria: Invitae Variant Classification Sherloc (09022015). Collection method: clinical testing. Allele origin: germline.
Comment: In summary, the available evidence is currently insufficient to determine the role of this variant in disease. Therefore, it has been classified as a Variant of Uncertain Significance. Variants that disrupt the consensus splice site are a relatively common cause of aberrant splicing (PMID: 17576681, 9536098). Algorithms developed to predict the effect of sequence changes on RNA splicing suggest that this variant may disrupt the consensus splice site. ClinVar contains an entry for this variant (Variation ID: 1343333). This variant has not been reported in the literature in individuals affected with ANXA11-related conditions. This variant is present in population databases (rs769390362, gnomAD 0.007%). This sequence change falls in intron 6 of the ANXA11 gene. It does not directly change the encoded amino acid sequence of the ANXA11 protein. It affects a nucleotide within the consensus splice site.

Dept. of Medical Genetics, Telemark Hospital Trust, Telemark Hospital Trust
Classification: Uncertain significance for Amyotrophic Lateral Sclerosis. Last evaluated: 2022-01-01. Review status: criteria provided, single submitter. Criteria: ACMG Guidelines, 2015. Collection method: research. Allele origin: germline. Affected: yes.

Literature cited by the submitters: PubMed 17576681 (cited by Labcorp Genetics (formerly Invitae), Labcorp); PubMed 9536098 (cited by Labcorp Genetics (formerly Invitae), Labcorp).